The following is an entry in ClinVar:

ClinVar aggregate classification (germline): Benign (0 of 4 stars; one submission).

Conditions:
HOXB6-related disorder. Also called: HOXB6-related condition.

Allele frequency attached by ClinVar (database versions not stated): 1000 Genomes Project 0.00280; 1000 Genomes Project 30x 0.00281; TOPMed 0.00607; gnomAD 0.00675; ESP Exome Variant Server 0.00741; ExAC 0.00997.
gnomAD v4.1: 15,189 of 1,604,164 alleles (0.95%); highest among the groups gnomAD compares: Non-Finnish European, 1.1%; 100 homozygotes.

Submission:

PreventionGenetics, part of Exact Sciences
Classification: Benign for HOXB6-related condition. Last evaluated: 2019-06-10. Review status: no assertion criteria provided. Collection method: clinical testing. Allele origin: germline.
Comment: This variant is classified as benign based on ACMG/AMP sequence variant interpretation guidelines (Richards et al. 2015 PMID: 25741868, with internal and published modifications).

NM_018952.5(HOXB6):c.87G>A (p.Ser29=)

Genes: HOXB-AS3 (HOXB cluster antisense RNA 3; plus strand), HOXB6 (homeobox B6; minus strand), LOC130061089 (ATAC-STARR-seq lymphoblastoid silent region 8655; plus strand). Cytogenetic location: 17q21.32.
Variant type: single nucleotide variant.
Coding change: c.87G>A on transcript NM_018952.5 (MANE Select); coding-DNA position 87, G replaced by A.
Protein change: p.Ser29=; no amino-acid change (serine 29 retained).
Molecular consequence: synonymous variant.
Genome position (GRCh38, 1-based): chr17:48,598,064, C>T on the plus strand (G>A on the coding strand, the complement: HOXB6 is on the minus strand). VCF-style: chr17-48598064-C-T. GRCh37 (hg19) VCF-style: chr17-46675426-C-T.
Other names: c.87G>A, p.Ser29= (NM_001369397.2).
Identifiers: ClinVar variation 3037284 (VCV003037284.2), dbSNP rs33990581, ClinGen allele CA8633186.